The following is an entry in ClinVar:

ClinVar aggregate classification (germline): Uncertain significance. Review status: criteria provided, multiple submitters, no conflicts (2 of 4 stars). 2 submissions from 2 submitters: Uncertain significance (2). Last evaluated 2025-06-12.

Conditions:
Inborn genetic diseases. Identifiers: MedGen C0950123, MeSH D030342.

Allele frequency attached by ClinVar (database versions not stated): gnomAD 0.00001; gnomAD exomes 0.00001; TOPMed 0.00001; ExAC 0.00003.
gnomAD v4.1: 13 of 1,608,742 alleles (0.00081%); highest among the groups gnomAD compares: Middle Eastern, 0.05%; no homozygotes.

Submissions (2):

Labcorp Genetics (formerly Invitae), Labcorp
Classification: Uncertain significance. Last evaluated: 2025-06-12. Review status: criteria provided, single submitter. Criteria: Invitae Variant Classification Sherloc (09022015). Collection method: clinical testing. Allele origin: germline.
Comment: This sequence change replaces alanine, which is neutral and non-polar, with threonine, which is neutral and polar, at codon 527 of the COQ8B protein (p.Ala527Thr). The frequency data for this variant in the population databases is considered unreliable, as metrics indicate poor data quality at this position in the gnomAD database. This variant has not been reported in the literature in individuals affected with COQ8B-related conditions. ClinVar contains an entry for this variant (Variation ID: 1897048). Invitae Evidence Modeling of protein sequence and biophysical properties (such as structural, functional, and spatial information, amino acid conservation, physicochemical variation, residue mobility, and thermodynamic stability) indicates that this missense variant is not expected to disrupt COQ8B protein function with a negative predictive value of 95%. In summary, the available evidence is currently insufficient to determine the role of this variant in disease. Therefore, it has been classified as a Variant of Uncertain Significance.

Ambry Genetics
Classification: Uncertain significance for Inborn genetic diseases. Last evaluated: 2021-07-09. Review status: criteria provided, single submitter. Criteria: Ambry Variant Classification Scheme 2023. Collection method: clinical testing. Allele origin: germline.

NM_024876.4(COQ8B):c.1579G>A (p.Ala527Thr)

Gene: COQ8B (coenzyme Q8B; minus strand). Cytogenetic location: 19q13.2.
Variant type: single nucleotide variant.
Coding change: c.1579G>A on transcript NM_024876.4 (MANE Select); coding-DNA position 1579, G replaced by A.
Protein change: p.Ala527Thr; replaces alanine 527 with threonine.
Molecular consequence: missense variant.
Genome position (GRCh38, 1-based): chr19:40,692,091, C>T on the plus strand (G>A on the coding strand, the complement: COQ8B is on the minus strand). VCF-style: chr19-40692091-C-T. GRCh37 (hg19) VCF-style: chr19-41197996-C-T.
Other names: c.1456G>A, p.Ala486Thr (NM_001142555.3); short protein forms A486T, A527T.
Identifiers: ClinVar variation 1897048 (VCV001897048.6), dbSNP rs763305708, ClinGen allele CA9449967.